The following is an entry in ClinVar:

ClinVar aggregate classification (germline): Likely benign (1 of 4 stars; one submission).

Conditions:
Vesicoureteral reflux 2 (VUR2). Identifiers: Orphanet 289365, MedGen C1970483, MONDO:0012573, OMIM 610878.

Allele frequency attached by ClinVar (database versions not stated): TOPMed 0.00001; ExAC 0.00002; gnomAD 0.00002; gnomAD exomes 0.00002.
gnomAD v4.1: 40 of 1,613,614 alleles (0.0025%); highest among the groups gnomAD compares: Middle Eastern, 0.017%; no homozygotes.

Submission:

Illumina Laboratory Services, Illumina
Classification: Likely benign for Vesicoureteral reflux 2. Last evaluated: 2018-01-13. Review status: criteria provided, single submitter. Criteria: ICSL Variant Classification Criteria 13 December 2019. Collection method: clinical testing. Allele origin: germline.
Comment: This variant was observed in the ICSL laboratory as part of a predisposition screen in an ostensibly healthy population. It had not been previously curated by ICSL or reported in the Human Gene Mutation Database (HGMD: prior to June 1st, 2018), and was therefore a candidate for classification through an automated scoring system. Utilizing variant allele frequency, disease prevalence and penetrance estimates, and inheritance mode, an automated score was calculated to assess if this variant is too frequent to cause the disease. Based on the score and internal cut-off values, a variant classified as likely benign is not then subjected to further curation. The score for this variant resulted in a classification of likely benign for this disease.

NM_001395656.1(ROBO2):c.1734T>C (p.His578=)

Gene: ROBO2 (roundabout guidance receptor 2; plus strand). Cytogenetic location: 3p12.3.
Variant type: single nucleotide variant.
Coding change: c.1734T>C on transcript NM_001395656.1 (MANE Select); coding-DNA position 1734, T replaced by C.
Protein change: p.His578=; no amino-acid change (histidine 578 retained).
Molecular consequence: synonymous variant. On other transcripts: 5 prime UTR variant (1).
Genome position (GRCh38, 1-based): chr3:77,564,993, T>C. VCF-style: chr3-77564993-T-C. GRCh37 (hg19) VCF-style: chr3-77614144-T-C.
Other names: c.1770T>C, p.His590= (NM_001128929.3); c.1734T>C, p.His578= (NM_001290039.2, NM_001290040.2, NM_001378202.1); c.-58T>C (NM_001290065.2); c.1782T>C, p.His594= (NM_001378190.1, NM_001378191.1, NM_001378195.1 and 4 more transcripts); c.1803T>C, p.His601= (NM_001378192.1, NM_001378194.1, NM_001378198.1 and 2 more transcripts); c.1722T>C, p.His574= (NM_001378193.1, NM_001378197.1, NM_002942.5); c.1791T>C, p.His597= (NM_001394212.1, NM_001394214.1, NM_001395657.1).
Identifiers: ClinVar variation 899726 (VCV000899726.5), dbSNP rs758486669, ClinGen allele CA2497139.